The following is an entry in ClinVar:

ClinVar aggregate classification (germline): Likely pathogenic. Review status: criteria provided, multiple submitters, no conflicts (2 of 4 stars). 2 submissions from 2 submitters: Likely pathogenic (2). Last evaluated 2023-11-16.

Conditions:
COL2A1-related disorder. Also called: COL2A1-related condition; COL2A1-related disorders.
Spondyloepiphyseal dysplasia congenita (SEDC). Also called: SED CONGENITA; SPONDYLOEPIPHYSEAL DYSPLASIA, CONGENITAL TYPE. Identifiers: Orphanet 94068, MedGen C2745959, MONDO:0008471, OMIM 183900.

Submissions (2):

Laboratory of Medical Genetics, National & Kapodistrian University of Athens
Classification: Likely pathogenic for Spondyloepiphyseal dysplasia congenita. Last evaluated: 2023-11-16. Review status: criteria provided, single submitter. Criteria: ACMG Guidelines, 2015. Collection method: clinical testing. Allele origin: germline. Affected: yes.
Comment: PM1, PM2, PP3, PP4 - Low frequency in gnomAD population databases. In silico prediction tools estimated that the variant could be damaging for the protein function/stracture. Higly relevant to the patient's phenotype.

Blueprint Genetics
Classification: Likely pathogenic for COL2A1-related disorders. Last evaluated: 2020-05-18. Review status: criteria provided, single submitter. Criteria: ACMG Guidelines, 2015. Collection method: clinical testing. Allele origin: germline. Affected: yes. Observed: 1 variant allele.

NM_001844.5(COL2A1):c.2645G>T (p.Gly882Val)

Gene: COL2A1 (collagen type II alpha 1 chain; minus strand). Cytogenetic location: 12q13.11.
Variant type: single nucleotide variant.
Coding change: c.2645G>T on transcript NM_001844.5 (MANE Select); coding-DNA position 2645, G replaced by T.
Protein change: p.Gly882Val; replaces glycine 882 with valine.
Molecular consequence: missense variant.
Genome position (GRCh38, 1-based): chr12:47,980,043, C>A on the plus strand (G>T on the coding strand, the complement: COL2A1 is on the minus strand). VCF-style: chr12-47980043-C-A. GRCh37 (hg19) VCF-style: chr12-48373826-C-A.
Other names: c.2438G>T, p.Gly813Val (NM_033150.3); short protein forms G813V, G882V.
Identifiers: ClinVar variation 3256563 (VCV003256563.2).